The following is an entry in ClinVar:

ClinVar aggregate classification (germline): Conflicting classifications of pathogenicity. Review status: criteria provided, conflicting classifications (1 of 4 stars). 3 submissions from 3 submitters: Uncertain significance (1); Likely benign (2). Last evaluated 2026-07-01.

Conditions:
Brachydactyly type B1 (BDB1). Identifiers: Orphanet 572385, Orphanet 93383, MedGen C1862112, MONDO:0007220, OMIM 113000.
Autosomal recessive Robinow syndrome (RRS1). Also called: COSTOVERTEBRAL SEGMENTATION DEFECT WITH MESOMELIA; COVESDEM SYNDROME; ROBINOW SYNDROME, AUTOSOMAL RECESSIVE 1; ROR2-Related Robinow Syndrome. Identifiers: Orphanet 1507, Orphanet 97360, MedGen C5399974, MONDO:0009999, OMIM 268310.

Allele frequency attached by ClinVar (database versions not stated): ExAC 0.00003; gnomAD exomes 0.00003 and 0.00009; TOPMed 0.00005; gnomAD 0.00010 and 0.00011; 1000 Genomes Project 0.00040; 1000 Genomes Project 30x 0.00047.
gnomAD v4.1: 66 of 1,614,054 alleles (0.0041%); highest among the groups gnomAD compares: Admixed American, 0.055%; no homozygotes.

Submissions (3):

CeGaT Center for Human Genetics Tuebingen
Classification: Likely benign. Last evaluated: 2026-07-01. Review status: criteria provided, single submitter. Criteria: CeGaT Center For Human Genetics Tuebingen Variant Classification Criteria Version 2. Collection method: clinical testing. Allele origin: germline. Affected: yes. Observed: 1 variant allele.
Comment: ROR2: BP4, BP7

Labcorp Genetics (formerly Invitae), Labcorp
Classification: Likely benign. Last evaluated: 2025-01-06. Review status: criteria provided, single submitter. Criteria: Invitae Variant Classification Sherloc (09022015). Collection method: clinical testing. Allele origin: germline.

Fulgent Genetics
Classification: Uncertain significance for Brachydactyly type B1; Autosomal recessive Robinow syndrome. Last evaluated: 2021-12-07. Review status: criteria provided, single submitter. Criteria: ACMG Guidelines, 2015. Collection method: clinical testing. Allele origin: unknown.

NM_004560.4(ROR2):c.1746G>A (p.Thr582=)

Gene: ROR2 (ROR family WNT receptor 2; minus strand). Cytogenetic location: 9q22.31.
Variant type: single nucleotide variant.
Coding change: c.1746G>A on transcript NM_004560.4 (MANE Select); coding-DNA position 1746, G replaced by A.
Protein change: p.Thr582=; no amino-acid change (threonine 582 retained).
Molecular consequence: synonymous variant.
Genome position (GRCh38, 1-based): chr9:91,724,748, C>T on the plus strand (G>A on the coding strand, the complement: ROR2 is on the minus strand). VCF-style: chr9-91724748-C-T. GRCh37 (hg19) VCF-style: chr9-94487030-C-T.
Identifiers: ClinVar variation 1006928 (VCV001006928.9), dbSNP rs201241207, ClinGen allele CA5120583.